The following is an entry in ClinVar:

NM_000075.4(CDK4):c.820-19C>T

Genes: MIR6759 (microRNA 6759; minus strand), TSPAN31 (tetraspanin 31; plus strand), CDK4 (cyclin dependent kinase 4; minus strand). Cytogenetic location: 12q14.1.
Variant type: single nucleotide variant.
Coding change: c.820-19C>T on transcript NM_000075.4 (MANE Select); 19 bases into the intron before coding-DNA position 820, C replaced by T.
Molecular consequence: intron variant. On other transcripts: non-coding transcript variant (1), 3 prime UTR variant (3).
Genome position (GRCh38, 1-based): chr12:57,748,636, G>A on the plus strand (C>T on the coding strand, the complement: CDK4 is on the minus strand). VCF-style: chr12-57748636-G-A. GRCh37 (hg19) VCF-style: chr12-58142419-G-A.
Other names: c.*1346G>A (NM_001330168.2, NM_001330169.2, NM_005981.5).
Identifiers: ClinVar variation 3378669 (VCV003378669.1).

ClinVar aggregate classification (germline): Likely benign (1 of 4 stars; one submission).

Conditions:
Melanoma, cutaneous malignant, susceptibility to, 3. Also called: Cutaneous malignant melanoma 3. Identifiers: Orphanet 618, MedGen C1836892, MONDO:0012183, OMIM 609048.

Submission:

Myriad Genetics, Inc.
Classification: Likely benign for Melanoma, cutaneous malignant, susceptibility to, 3. Last evaluated: 2024-09-26. Review status: criteria provided, single submitter. Criteria: Myriad Autosomal Dominant, Autosomal Recessive and X-Linked Classification Criteria (2023). Collection method: clinical testing. Allele origin: unknown.
Comment: This variant is considered likely benign. This variant is intronic and is not expected to impact mRNA splicing.